The following is an entry in ClinVar:

ClinVar aggregate classification (germline): Uncertain significance (1 of 4 stars; one submission).

Allele frequency attached by ClinVar (database versions not stated): gnomAD exomes below 0.00001; TOPMed 0.00001; gnomAD 0.00002.

Submission:

Labcorp Genetics (formerly Invitae), Labcorp
Classification: Uncertain significance. Last evaluated: 2022-12-21. Review status: criteria provided, single submitter. Criteria: Invitae Variant Classification Sherloc (09022015). Collection method: clinical testing. Allele origin: germline.
Comment: In summary, the available evidence is currently insufficient to determine the role of this variant in disease. Therefore, it has been classified as a Variant of Uncertain Significance. Variants that disrupt the consensus splice site are a relatively common cause of aberrant splicing (PMID: 17576681, 9536098). Algorithms developed to predict the effect of sequence changes on RNA splicing suggest that this variant is not likely to affect RNA splicing. ClinVar contains an entry for this variant (Variation ID: 1425301). This variant has not been reported in the literature in individuals affected with RECQL-related conditions. This variant is present in population databases (no rsID available, gnomAD 0.007%). This sequence change falls in intron 4 of the RECQL gene. It does not directly change the encoded amino acid sequence of the RECQL protein. It affects a nucleotide within the consensus splice site.

Literature cited by the submitters: PubMed 17576681; PubMed 9536098.

NM_002907.4(RECQL):c.394+4T>C

Gene: RECQL (RecQ like helicase; minus strand). Cytogenetic location: 12p12.1.
Variant type: single nucleotide variant.
Coding change: c.394+4T>C on transcript NM_002907.4 (MANE Select); 4 bases into the intron after coding-DNA position 394, T replaced by C.
Molecular consequence: intron variant.
Genome position (GRCh38, 1-based): chr12:21,490,195, A>G on the plus strand (T>C on the coding strand, the complement: RECQL is on the minus strand). VCF-style: chr12-21490195-A-G. GRCh37 (hg19) VCF-style: chr12-21643129-A-G.
Other names: c.394+4T>C (NM_032941.3).
Identifiers: ClinVar variation 1425301 (VCV001425301.6), dbSNP rs950324715, ClinGen allele CA233583041.